The following is an entry in ClinVar:

NM_177559.3(CSNK2A1):c.524A>T (p.Asp175Val)

Gene: CSNK2A1 (casein kinase 2 alpha 1; minus strand). Cytogenetic location: 20p13.
Variant type: single nucleotide variant.
Coding change: c.524A>T on transcript NM_177559.3 (MANE Select); coding-DNA position 524, A replaced by T.
Protein change: p.Asp175Val; replaces aspartic acid 175 with valine.
Molecular consequence: missense variant.
Genome position (GRCh38, 1-based): chr20:492,351, T>A on the plus strand (A>T on the coding strand, the complement: CSNK2A1 is on the minus strand). VCF-style: chr20-492351-T-A. GRCh37 (hg19) VCF-style: chr20-472995-T-A.
Other names: c.524A>T, p.Asp175Val (NM_001362770.2, NM_001362771.2, NM_001895.4); c.116A>T, p.Asp39Val (NM_177560.3); short protein forms D175V, D39V.
Identifiers: ClinVar variation 3897634 (VCV003897634.1).
Genomic context (GRCh38, chr20:492,351, plus strand): 5'-CGGGAAGCAACTCGGACATTATATTCTTGGCCAGGATGATAAAACTCAGCCAAACCCCAG[T>A]CTATTAGTCGTAGCTGAAAAAGAATAAACCATGAGCAATCTTATCTTTCTCTAAGCTACC-3'
Protein context (NP_808227.1, residues 165-185): DHEHRKLRLI[Asp175Val]WGLAEFYHPG

ClinVar aggregate classification (germline): Likely pathogenic (1 of 4 stars; one submission).

Conditions:
Okur-Chung neurodevelopmental syndrome (OCNDS). Identifiers: Orphanet 689422, MedGen C4310739, MONDO:0014893, OMIM 617062.

Submission:

Genetics Laboratory, UDIAT-Centre Diagnòstic, Hospital Universitari Parc Tauli
Classification: Likely pathogenic for Okur-Chung neurodevelopmental syndrome. Last evaluated: 2024-01-04. Review status: criteria provided, single submitter. Criteria: ACMG Guidelines, 2015. Collection method: clinical testing. Allele origin: unknown. Inheritance: Autosomal dominant inheritance. Affected: yes.
Comment: PM1_moderate;PM2_supporting;PM6_moderate;PP3_strong